The following is an entry in ClinVar:

ClinVar aggregate classification (germline): Uncertain significance (1 of 4 stars; one submission).

Allele frequency attached by ClinVar (database versions not stated): gnomAD exomes below 0.00001; ExAC 0.00003.
gnomAD v4.1: 2 of 1,592,470 alleles (0.00013%); highest among the groups gnomAD compares: East Asian, 0.0023%; no homozygotes.

Submission:

CeGaT Center for Human Genetics Tuebingen
Classification: Uncertain significance. Last evaluated: 2022-12-01. Review status: criteria provided, single submitter. Criteria: CeGaT Center For Human Genetics Tuebingen Variant Classification Criteria Version 2. Collection method: clinical testing. Allele origin: germline. Affected: yes. Observed: 1 variant allele.
Comment: APC2: PM2

NM_005883.3(APC2):c.697G>A (p.Val233Met)

Gene: APC2 (APC regulator of Wnt signaling pathway 2; plus strand). Cytogenetic location: 19p13.3.
Variant type: single nucleotide variant.
Coding change: c.697G>A on transcript NM_005883.3 (MANE Select); coding-DNA position 697, G replaced by A.
Protein change: p.Val233Met; replaces valine 233 with methionine.
Molecular consequence: missense variant.
Genome position (GRCh38, 1-based): chr19:1,456,133, G>A. VCF-style: chr19-1456133-G-A. GRCh37 (hg19) VCF-style: chr19-1456132-G-A.
Other names: c.694G>A, p.Val232Met (NM_001351273.1); short protein forms V232M, V233M.
Identifiers: ClinVar variation 2648924 (VCV002648924.24), dbSNP rs756091367, ClinGen allele CA9044842.